The following is an entry in ClinVar:

ClinVar aggregate classification (germline): Uncertain significance. Review status: criteria provided, multiple submitters, no conflicts (2 of 4 stars). 3 submissions from 3 submitters: Uncertain significance (2). 1 of the submissions does not count toward it. Last evaluated 2025-07-03.

Conditions:
KIDINS220-related disorder. Also called: KIDINS220-related condition.
Inborn genetic diseases. Identifiers: MedGen C0950123, MeSH D030342.

Allele frequency attached by ClinVar (database versions not stated): ExAC 0.00001; gnomAD 0.00002; gnomAD exomes 0.00002; TOPMed 0.00003; ESP Exome Variant Server 0.00008.
gnomAD v4.1: 40 of 1,614,066 alleles (0.0025%); highest among the groups gnomAD compares: Non-Finnish European, 0.0032%; no homozygotes.

Submissions (3):

Labcorp Genetics (formerly Invitae), Labcorp
Classification: Uncertain significance. Last evaluated: 2025-07-03. Review status: criteria provided, single submitter. Criteria: Invitae Variant Classification Sherloc (09022015). Collection method: clinical testing. Allele origin: germline.
Comment: This sequence change replaces aspartic acid, which is acidic and polar, with asparagine, which is neutral and polar, at codon 1605 of the KIDINS220 protein (p.Asp1605Asn). This variant is present in population databases (rs374139570, gnomAD 0.004%). This variant has not been reported in the literature in individuals affected with KIDINS220-related conditions. ClinVar contains an entry for this variant (Variation ID: 1981747). An algorithm developed to predict the effect of missense changes on protein structure and function (PolyPhen-2) suggests that this variant is likely to be disruptive. In summary, the available evidence is currently insufficient to determine the role of this variant in disease. Therefore, it has been classified as a Variant of Uncertain Significance.

Ambry Genetics
Classification: Uncertain significance for Inborn genetic diseases. Last evaluated: 2024-07-22. Review status: criteria provided, single submitter. Criteria: Ambry Variant Classification Scheme 2023. Collection method: clinical testing. Allele origin: germline.

PreventionGenetics, part of Exact Sciences
Classification: Uncertain significance for KIDINS220-related condition. Last evaluated: 2024-07-22. Review status: no assertion criteria provided. Collection method: clinical testing. Allele origin: germline. Not counted in ClinVar's aggregate classification.
Comment: The KIDINS220 c.4813G>A variant is predicted to result in the amino acid substitution p.Asp1605Asn. To our knowledge, this variant has not been reported in the literature. This variant is reported in 0.0029% of alleles in individuals of Latino descent in gnomAD. At this time, the clinical significance of this variant is uncertain due to the absence of conclusive functional and genetic evidence.

NM_020738.4(KIDINS220):c.4813G>A (p.Asp1605Asn)

Gene: KIDINS220 (kinase D interacting substrate 220; minus strand). Cytogenetic location: 2p25.1.
Variant type: single nucleotide variant.
Coding change: c.4813G>A on transcript NM_020738.4 (MANE Select); coding-DNA position 4813, G replaced by A.
Protein change: p.Asp1605Asn; replaces aspartic acid 1605 with asparagine.
Molecular consequence: missense variant. On other transcripts: intron variant (6).
Genome position (GRCh38, 1-based): chr2:8,731,223, C>T on the plus strand (G>A on the coding strand, the complement: KIDINS220 is on the minus strand). VCF-style: chr2-8731223-C-T. GRCh37 (hg19) VCF-style: chr2-8871353-C-T.
Other names: c.4816G>A, p.Asp1606Asn (NM_001348729.2); c.4759G>A, p.Asp1587Asn (NM_001348731.2); c.4756G>A, p.Asp1586Asn (NM_001348732.2); c.4645G>A, p.Asp1549Asn (NM_001348734.2); c.4642G>A, p.Asp1548Asn (NM_001348735.2); c.4516G>A, p.Asp1506Asn (NM_001348736.2); c.3882+2221G>A (NM_001348741.2, NM_001348742.2, NM_001348743.2); c.3996+2221G>A (NM_001348738.2); and 2 more; short protein forms D1549N, D1586N, D1606N, D1506N, D1548N, D1587N, D1605N.
Identifiers: ClinVar variation 1981747 (VCV001981747.7), dbSNP rs374139570, ClinGen allele CA1519305.